The following is an entry in ClinVar:

ClinVar aggregate classification (germline): Likely pathogenic (1 of 4 stars; one submission).

Conditions:
RELN-related disorder. Also called: RELN-related condition.

Submission:

Greenwood Genetic Center Diagnostic Laboratories, Greenwood Genetic Center
Classification: Likely pathogenic for RELN-related disorder. Last evaluated: 2026-04-01. Review status: criteria provided, single submitter. Criteria: ACMG Guidelines, 2015. Collection method: clinical testing. Allele origin: germline. Affected: yes.
Comment: PVS1, PM2

NM_005045.4(RELN):c.25C>T (p.Gln9Ter)

Gene: RELN (reelin; minus strand). Cytogenetic location: 7q22.1.
Variant type: single nucleotide variant.
Coding change: c.25C>T on transcript NM_005045.4 (MANE Select); coding-DNA position 25, C replaced by T.
Protein change: p.Gln9Ter; replaces glutamine 9 with a stop codon.
Molecular consequence: nonsense.
Genome position (GRCh38, 1-based): chr7:103,989,332, G>A on the plus strand (C>T on the coding strand, the complement: RELN is on the minus strand). VCF-style: chr7-103989332-G-A. GRCh37 (hg19) VCF-style: chr7-103629779-G-A.
Other names: c.25C>T, p.Gln9Ter (NM_173054.3); short protein forms Q9*.
Identifiers: ClinVar variation 4891059 (VCV004891059.1).